The following is an entry in ClinVar:

ClinVar aggregate classification (germline): Uncertain significance (1 of 4 stars; one submission).

Submission:

GeneDx
Classification: Uncertain significance. Last evaluated: 2024-11-12. Review status: criteria provided, single submitter. Criteria: GeneDx Variant Classification Process June 2021. Collection method: clinical testing. Allele origin: germline. Affected: yes.
Comment: Not observed at significant frequency in large population cohorts (gnomAD); In-frame duplication of 1 amino acid(s) in a non-repeat region; Has not been previously published as pathogenic or benign to our knowledge; Reported using an alternate transcript of the gene

NM_001382567.1(STIM1):c.1634+2184_1634+2186dup

Gene: STIM1 (stromal interaction molecule 1; plus strand). Cytogenetic location: 11p15.4.
Variant type: Duplication.
Coding change: c.1634+2184_1634+2186dup on transcript NM_001382567.1 (MANE Select); bases 2184 to 2186 of the intron after coding-DNA position 1634, 3 bases duplicated (CTC; older notation c.1634+2184_1634+2186dupCTC).
Molecular consequence: intron variant. On other transcripts: inframe insertion (4).
Genome position (GRCh38, 1-based): chr11:4,088,727-4,088,729, CTC duplicated. VCF-style (leftmost placement, unchanged base first): chr11-4088726-G-GCTC. GRCh37 (hg19) VCF-style: chr11-4109956-G-GCTC.
Other names: c.1567_1569dup, p.Leu523_Ser524insLeu (NM_001277962.2); c.1345_1347dup, p.Leu449_Ser450insLeu (NM_001382578.1, NM_001382579.1); c.1078_1080dup, p.Leu360_Ser361insLeu (NM_001382580.1); c.1319+2184_1319+2186dup (NM_001382575.1, NM_001382576.1, NM_001382577.1); c.1052+2184_1052+2186dup (NM_001382581.1); c.1637+1866_1637+1868dup (NM_001382566.1); c.1562+2184_1562+2186dup (NM_001382568.1); c.1541+2184_1541+2186dup (NM_003156.4); and 4 more.
Identifiers: ClinVar variation 3899205 (VCV003899205.1).
Genomic context (GRCh38, chr11:4,088,726, plus strand): 5'-GTTCACTACTTAATTTTCTTTTGCACCACGCACCAGAGGATCATCTCTAAAGGCAAACAG[G>GCTC]CTCTCTAGTAAGGTCAGTAGCTTGGGATGGGAGTCCGAGGCAGCCCAGCCTTTGGGGAGG-3'